The following is an entry in ClinVar:

NM_182943.3(PLOD2):c.2059C>T (p.His687Tyr)

Gene: PLOD2 (procollagen-lysine,2-oxoglutarate 5-dioxygenase 2; minus strand). Cytogenetic location: 3q24.
Variant type: single nucleotide variant.
Coding change: c.2059C>T on transcript NM_182943.3 (MANE Select); coding-DNA position 2059, C replaced by T.
Protein change: p.His687Tyr; replaces histidine 687 with tyrosine.
Molecular consequence: missense variant.
Genome position (GRCh38, 1-based): chr3:146,071,104, G>A on the plus strand (C>T on the coding strand, the complement: PLOD2 is on the minus strand). VCF-style: chr3-146071104-G-A. GRCh37 (hg19) VCF-style: chr3-145788891-G-A.
Other names: c.1996C>T, p.His666Tyr (NM_000935.3); short protein forms H666Y, H687Y.
Identifiers: ClinVar variation 4537101 (VCV004537101.1).

ClinVar aggregate classification (germline): Uncertain significance (1 of 4 stars; one submission).

gnomAD v4.1: 10 of 1,609,802 alleles (0.00062%); highest among the groups gnomAD compares: Non-Finnish European, 0.00076%; no homozygotes.

Submission:

Women's Health and Genetics/Laboratory Corporation of America, LabCorp
Classification: Uncertain significance. Last evaluated: 2025-11-04. Review status: criteria provided, single submitter. Criteria: LabCorp Variant Classification Summary - May 2015. Collection method: clinical testing. Allele origin: germline.
Comment: Variant summary: PLOD2 c.2059C>T (p.His687Tyr) results in a conservative amino acid change in the encoded protein sequence. Algorithms developed to predict the effect of missense changes on protein structure and function are either unavailable or do not agree on the potential impact of this missense change. The variant allele was found at a frequency of 4e-06 in 250052 control chromosomes. The available data on variant occurrences in the general population are insufficient to allow any conclusion about variant significance. To our knowledge, no occurrence of c.2059C>T in individuals affected with PLOD2-related conditions and no experimental evidence demonstrating its impact on protein function have been reported. No submitters have cited clinical-significance assessments for this variant to ClinVar. Based on the evidence outlined above, the variant was classified as uncertain significance.